The following is an entry in ClinVar:

NM_001329943.3(KIAA0586):c.4495+3777del

Gene: KIAA0586 (KIAA0586; plus strand). Cytogenetic location: 14q23.1.
Variant type: Deletion.
Coding change: c.4495+3777del on transcript NM_001329943.3 (MANE Select); 3777 bases into the intron after coding-DNA position 4495, one base deleted (G; older notation c.4495+3777delG).
Molecular consequence: intron variant. On other transcripts: frameshift variant (2).
Genome position (GRCh38, 1-based): chr14:58,543,913, G deleted. VCF-style (leftmost placement, unchanged base first): chr14-58543912-TG-T. GRCh37 (hg19) VCF-style: chr14-59010630-TG-T.
Other names: c.4685del, p.Cys1562fs (NM_001244189.2); c.4526del, p.Cys1509fs (NM_001329944.2); c.4450+3777del (NM_001244190.2); c.4363+3777del (NM_001244192.2, NM_001329947.2); c.4240+3777del (NM_001244191.2, NM_001364701.2); c.4430-3868del (NM_001329946.2); c.4267+3777del (NM_014749.5); c.4175-3868del (NM_001329945.2); short protein forms C1562fs, C1509fs.
Identifiers: ClinVar variation 1453478 (VCV001453478.6), dbSNP rs1237632090, ClinGen allele CA614534559.

ClinVar aggregate classification (germline): Pathogenic (1 of 4 stars; one submission).

Conditions:
Joubert syndrome 23 (JBTS23). Identifiers: Orphanet 475, MedGen C4084822, MONDO:0014664, OMIM 616490.
Short-rib thoracic dysplasia 14 with polydactyly (SRTD14). Identifiers: Orphanet 397715, MedGen C4225286, MONDO:0014688, OMIM 616546.

Allele frequency attached by ClinVar (database versions not stated): TOPMed below 0.00001; gnomAD 0.00001; gnomAD exomes 0.00002 and 0.00004.

Submission:

Labcorp Genetics (formerly Invitae), Labcorp
Classification: Pathogenic for Joubert syndrome 23; Short-rib thoracic dysplasia 14 with polydactyly. Last evaluated: 2024-11-11. Review status: criteria provided, single submitter. Criteria: Invitae Variant Classification Sherloc (09022015). Collection method: clinical testing. Allele origin: germline.
Comment: This sequence change creates a premature translational stop signal (p.Cys1562Leufs*2) in the KIAA0586 gene. It is expected to result in an absent or disrupted protein product. Loss-of-function variants in KIAA0586 are known to be pathogenic (PMID: 26096313, 26166481, 26386044). This variant is present in population databases (no rsID available, gnomAD 0.01%). This variant has not been reported in the literature in individuals affected with KIAA0586-related conditions. ClinVar contains an entry for this variant (Variation ID: 1453478). For these reasons, this variant has been classified as Pathogenic.

Literature cited by the submitters: PubMed 26096313; PubMed 26166481; PubMed 26386044.